The following is an entry in ClinVar:

ClinVar aggregate classification (germline): Uncertain significance. Review status: criteria provided, multiple submitters, no conflicts (2 of 4 stars). 3 submissions from 3 submitters: Uncertain significance (3). Last evaluated 2024-12-20.

Conditions:
Familial cancer of breast. Also called: BREAST CANCER, FAMILIAL; hereditary breast carcinoma; Hereditary breast cancer. Identifiers: Orphanet 227535, MedGen C0346153, MONDO:0016419, OMIM 114480. Disease mechanism: loss of function.
Hereditary cancer-predisposing syndrome. Also called: Neoplastic Syndromes, Hereditary; Hereditary Cancer Syndrome; Hereditary neoplastic syndrome; Tumor predisposition. Identifiers: Orphanet 140162, MedGen C0027672, MeSH D009386, MONDO:0015356.

gnomAD v4.1: 2 of 1,614,062 alleles (0.00012%); highest among the groups gnomAD compares: African/African-American, 0.0013%; no homozygotes.

Submissions (3):

Ambry Genetics
Classification: Uncertain significance for Hereditary cancer-predisposing syndrome. Last evaluated: 2024-12-20. Review status: criteria provided, single submitter. Criteria: Ambry Variant Classification Scheme 2023. Collection method: clinical testing. Allele origin: germline.
Comment: The p.S389T variant (also known as c.1166G>C), located in coding exon 4 of the BARD1 gene, results from a G to C substitution at nucleotide position 1166. The serine at codon 389 is replaced by threonine, an amino acid with similar properties. This amino acid position is not well conserved in available vertebrate species. In addition, this alteration is predicted to be tolerated by in silico analysis. Since supporting evidence is limited at this time, the clinical significance of this alteration remains unclear.

Labcorp Genetics (formerly Invitae), Labcorp
Classification: Uncertain significance for Familial cancer of breast. Last evaluated: 2021-08-30. Review status: criteria provided, single submitter. Criteria: Invitae Variant Classification Sherloc (09022015). Collection method: clinical testing. Allele origin: germline.
Comment: This variant is not present in population databases (ExAC no frequency). In summary, the available evidence is currently insufficient to determine the role of this variant in disease. Therefore, it has been classified as a Variant of Uncertain Significance. Algorithms developed to predict the effect of missense changes on protein structure and function (SIFT, PolyPhen-2, Align-GVGD) all suggest that this variant is likely to be tolerated, but these predictions have not been confirmed by published functional studies and their clinical significance is uncertain. This variant has not been reported in the literature in individuals with BARD1-related conditions. ClinVar contains an entry for this variant (Variation ID: 479185). This sequence change replaces serine with threonine at codon 389 of the BARD1 protein (p.Ser389Thr). The serine residue is moderately conserved and there is a small physicochemical difference between serine and threonine.

Color Diagnostics, LLC DBA Color Health
Classification: Uncertain significance for Hereditary cancer-predisposing syndrome. Last evaluated: 2019-09-09. Review status: criteria provided, single submitter. Criteria: ACMG Guidelines, 2015. Collection method: clinical testing. Allele origin: germline.
Comment: This missense variant replaces serine with threonine at codon 389 of the BARD1 protein. Computational prediction tools and conservation analyses suggest that this variant may not impact protein structure and function. Splice site prediction tools suggest that this variant may not impact RNA splicing. To our knowledge, functional studies have not been performed for this variant. This variant has not been reported in individuals affected with hereditary cancer in the literature. This variant has not been identified in the general population by the Genome Aggregation Database (gnomAD). The available evidence is insufficient to determine the role of this variant in disease conclusively. Therefore, this variant is classified as a Variant of Uncertain Significance.

NM_000465.4(BARD1):c.1166G>C (p.Ser389Thr)

Gene: BARD1 (BRCA1 associated RING domain 1; minus strand). Cytogenetic location: 2q35.
Variant type: single nucleotide variant.
Coding change: c.1166G>C on transcript NM_000465.4 (MANE Select); coding-DNA position 1166, G replaced by C.
Protein change: p.Ser389Thr; replaces serine 389 with threonine.
Molecular consequence: missense variant. On other transcripts: non-coding transcript variant (2), intron variant (3).
Genome position (GRCh38, 1-based): chr2:214,780,708, C>G on the plus strand (G>C on the coding strand, the complement: BARD1 is on the minus strand). VCF-style: chr2-214780708-C-G. GRCh37 (hg19) VCF-style: chr2-215645432-C-G.
Other names: c.1109G>C, p.Ser370Thr (NM_001282543.2); c.159-28153G>C (NM_001282548.2); c.215+16353G>C (NM_001282545.2); c.364+11589G>C (NM_001282549.2); short protein forms S389T, S370T.
Identifiers: ClinVar variation 479185 (VCV000479185.19), dbSNP rs1553622212, ClinGen allele CA350453893.
Genomic context (GRCh38, chr2:214,780,708, plus strand): 5'-GACATCACTCGCCTGTAACTTGAACTACTTAATGTAGAAGGTGGTGTACCTGGTGAAAGA[C>G]TAATGAATTCATCGGACATGTTACTGTTTTTCCTCCCTGATGTACCACCAACTTTACGTT-3'
Protein context (NP_000456.2, residues 379-399): KNSNMSDEFI[Ser389Thr]LSPGTPPSTL